The following is an entry in ClinVar:

NM_015466.4(PTPN23):c.2546T>G (p.Val849Gly)

Gene: PTPN23 (protein tyrosine phosphatase non-receptor type 23; plus strand). Cytogenetic location: 3p21.31.
Variant type: single nucleotide variant.
Coding change: c.2546T>G on transcript NM_015466.4 (MANE Select); coding-DNA position 2546, T replaced by G.
Protein change: p.Val849Gly; replaces valine 849 with glycine.
Molecular consequence: missense variant.
Genome position (GRCh38, 1-based): chr3:47,410,344, T>G. VCF-style: chr3-47410344-T-G. GRCh37 (hg19) VCF-style: chr3-47451834-T-G.
Other names: c.2168T>G, p.Val723Gly (NM_001304482.2); short protein forms V723G, V849G.
Identifiers: ClinVar variation 2094022 (VCV002094022.4), dbSNP rs2546250318, ClinGen allele CA352559402.

ClinVar aggregate classification (germline): Uncertain significance (1 of 4 stars; one submission).

Submission:

Labcorp Genetics (formerly Invitae), Labcorp
Classification: Uncertain significance. Last evaluated: 2023-05-23. Review status: criteria provided, single submitter. Criteria: Invitae Variant Classification Sherloc (09022015). Collection method: clinical testing. Allele origin: germline.
Comment: In summary, the available evidence is currently insufficient to determine the role of this variant in disease. Therefore, it has been classified as a Variant of Uncertain Significance. Algorithms developed to predict the effect of missense changes on protein structure and function output the following: SIFT: "Not Available"; PolyPhen-2: "Not Available"; Align-GVGD: "Not Available". The glycine amino acid residue is found in multiple mammalian species, which suggests that this missense change does not adversely affect protein function. ClinVar contains an entry for this variant (Variation ID: 2094022). This variant has not been reported in the literature in individuals affected with PTPN23-related conditions. This variant is not present in population databases (gnomAD no frequency). This sequence change replaces valine, which is neutral and non-polar, with glycine, which is neutral and non-polar, at codon 849 of the PTPN23 protein (p.Val849Gly).